The following is an entry in ClinVar:

ClinVar aggregate classification (germline): Uncertain significance. Review status: criteria provided, single submitter (1 of 4 stars). 2 submissions from 2 submitters: Uncertain significance (1). 1 of the submissions does not count toward it. Last evaluated 2023-02-24.

Conditions:
Biotinidase deficiency. Also called: BTD deficiency; Late-onset biotin-responsive multiple carboxylase deficiency; Biotin deficiency. Identifiers: Orphanet 79241, MedGen C0220754, MONDO:0009665, OMIM 253260.

Allele frequency attached by ClinVar (database versions not stated): gnomAD exomes 0.00001; TOPMed 0.00002; gnomAD 0.00003 and 0.00004.
gnomAD v4.1: 8 of 1,611,412 alleles (0.0005%); highest among the groups gnomAD compares: African/African-American, 0.011%; no homozygotes.

Submissions (2):

Labcorp Genetics (formerly Invitae), Labcorp
Classification: Uncertain significance for Biotinidase deficiency. Last evaluated: 2023-02-24. Review status: criteria provided, single submitter. Criteria: Invitae Variant Classification Sherloc (09022015). Collection method: clinical testing. Allele origin: germline.
Comment: In summary, the available evidence is currently insufficient to determine the role of this variant in disease. Therefore, it has been classified as a Variant of Uncertain Significance. Advanced modeling of protein sequence and biophysical properties (such as structural, functional, and spatial information, amino acid conservation, physicochemical variation, residue mobility, and thermodynamic stability) performed at Invitae indicates that this missense variant is expected to disrupt BTD protein function. ClinVar contains an entry for this variant (Variation ID: 556687). This missense change has been observed in individual(s) with biotinidase deficiency (PMID: 26810761). This variant is present in population databases (no rsID available, gnomAD 0.02%). This sequence change replaces isoleucine, which is neutral and non-polar, with methionine, which is neutral and non-polar, at codon 107 of the BTD protein (p.Ile107Met).

Counsyl
Classification: Uncertain significance for Biotinidase deficiency. Last evaluated: 2018-02-13. Review status: no assertion criteria provided. Collection method: clinical testing. Allele origin: unknown. Not counted in ClinVar's aggregate classification.

Literature cited by the submitters: PubMed 26810761 (cited by Labcorp Genetics (formerly Invitae), Labcorp and Counsyl).

NM_001370658.1(BTD):c.261T>G (p.Ile87Met)

Gene: BTD (biotinidase; plus strand). Cytogenetic location: 3p25.1.
Variant type: single nucleotide variant.
Coding change: c.261T>G on transcript NM_001370658.1 (MANE Select); coding-DNA position 261, T replaced by G.
Protein change: p.Ile87Met; replaces isoleucine 87 with methionine.
Molecular consequence: missense variant.
Genome position (GRCh38, 1-based): chr3:15,641,919, T>G. VCF-style: chr3-15641919-T-G. GRCh37 (hg19) VCF-style: chr3-15683426-T-G.
Other names: c.321T>G, p.Ile107Met (NM_000060.4); c.261T>G, p.Ile87Met (NM_001281723.4, NM_001281724.3, NM_001281725.3 and 36 more transcripts); c.324T>G, p.Ile108Met (NM_001407381.1); short protein forms I87M, I108M.
Identifiers: ClinVar variation 556687 (VCV000556687.7), dbSNP rs1024847163, ClinGen allele CA70619147.